The following is an entry in ClinVar:

ClinVar aggregate classification (germline): Uncertain significance (1 of 4 stars; one submission).

Conditions:
Inborn genetic diseases. Identifiers: MedGen C0950123, MeSH D030342.

gnomAD v4.1: 1 of 1,613,250 alleles (0.000062%); highest among the groups gnomAD compares: Non-Finnish European, 0.000085%; no homozygotes.

Submission:

Ambry Genetics
Classification: Uncertain significance for Inborn genetic diseases. Last evaluated: 2024-12-08. Review status: criteria provided, single submitter. Criteria: Ambry Variant Classification Scheme 2023. Collection method: clinical testing. Allele origin: germline.
Comment: The p.C51S variant (also known as c.152G>C), located in coding exon 2 of the RTEL1 gene, results from a G to C substitution at nucleotide position 152. The cysteine at codon 51 is replaced by serine, an amino acid with dissimilar properties. This amino acid position is conserved. In addition, the in silico prediction for this alteration is inconclusive. Based on the available evidence, the clinical significance of this variant remains unclear.

NM_001283009.2(RTEL1):c.152G>C (p.Cys51Ser)

Genes: RTEL1 (regulator of telomere elongation helicase 1; plus strand), RTEL1-TNFRSF6B (RTEL1-TNFRSF6B readthrough (NMD candidate); plus strand). Cytogenetic location: 20q13.33.
Variant type: single nucleotide variant.
Coding change: c.152G>C on transcript NM_001283009.2 (MANE Select); coding-DNA position 152, G replaced by C.
Protein change: p.Cys51Ser; replaces cysteine 51 with serine.
Molecular consequence: missense variant. On other transcripts: non-coding transcript variant (1), 5 prime UTR variant (1).
Genome position (GRCh38, 1-based): chr20:63,661,347, G>C. VCF-style: chr20-63661347-G-C. GRCh37 (hg19) VCF-style: chr20-62292700-G-C.
Other names: c.-518G>C (NM_001283010.1); c.152G>C, p.Cys51Ser (NM_016434.4, NM_032957.5); short protein forms C51S.
Identifiers: ClinVar variation 3436046 (VCV003436046.1).
Genomic context (GRCh38, chr20:63,661,347, plus strand): 5'-ACTCCGTTCAGAAGGTGAATGGCATCCTGGAGAGCCCTACGGGTACAGGGAAGACGCTGT[G>C]CCTGCTGTGCACCACGCTGGCCTGGCGAGAACACCTCCGAGACGGCATCTCTGCCCGCAA-3'
Protein context (NP_001269938.1, residues 41-61): ESPTGTGKTL[Cys51Ser]LLCTTLAWRE